The following is an entry in ClinVar:

ClinVar aggregate classification (germline): Uncertain significance (1 of 4 stars; one submission).

Conditions:
Holoprosencephaly 9 (HPE9). Also called: HOLOPROSENCEPHALY WITH MICROPHTHALMIA AND FIRST BRANCHIAL ARCH ANOMALIES; PITUITARY ANOMALIES WITH HOLOPROSENCEPHALY-LIKE FEATURES. Identifiers: Orphanet 2162, MedGen C1835819, MONDO:0012563, OMIM 610829.
Postaxial polydactyly-anterior pituitary anomalies-facial dysmorphism syndrome. Also called: Culler-Jones syndrome. Identifiers: Orphanet 420584, MedGen C4014479, MONDO:0014369, OMIM 615849.

Allele frequency attached by ClinVar (database versions not stated): TOPMed 0.00002.
gnomAD v4.1: 9 of 1,614,082 alleles (0.00056%); highest among the groups gnomAD compares: Non-Finnish European, 0.00068%; no homozygotes.

Submission:

Labcorp Genetics (formerly Invitae), Labcorp
Classification: Uncertain significance for Postaxial polydactyly-anterior pituitary anomalies-facial dysmorphism syndrome; Holoprosencephaly 9. Last evaluated: 2025-02-12. Review status: criteria provided, single submitter. Criteria: Invitae Variant Classification Sherloc (09022015). Collection method: clinical testing. Allele origin: germline.
Comment: This sequence change replaces glycine, which is neutral and non-polar, with arginine, which is basic and polar, at codon 465 of the GLI2 protein (p.Gly465Arg). This variant is present in population databases (no rsID available, gnomAD 0.0009%). This variant has not been reported in the literature in individuals affected with GLI2-related conditions. ClinVar contains an entry for this variant (Variation ID: 2418732). Invitae Evidence Modeling of protein sequence and biophysical properties (such as structural, functional, and spatial information, amino acid conservation, physicochemical variation, residue mobility, and thermodynamic stability) indicates that this missense variant is expected to disrupt GLI2 protein function with a positive predictive value of 80%. Algorithms developed to predict the effect of sequence changes on RNA splicing suggest that this variant may create or strengthen a splice site. In summary, the available evidence is currently insufficient to determine the role of this variant in disease. Therefore, it has been classified as a Variant of Uncertain Significance.

NM_001374353.1(GLI2):c.1342G>A (p.Gly448Arg)

Gene: GLI2 (GLI family zinc finger 2; plus strand). Cytogenetic location: 2q14.2.
Variant type: single nucleotide variant.
Coding change: c.1342G>A on transcript NM_001374353.1 (MANE Select); coding-DNA position 1342, G replaced by A.
Protein change: p.Gly448Arg; replaces glycine 448 with arginine.
Molecular consequence: missense variant.
Genome position (GRCh38, 1-based): chr2:120,978,458, G>A. VCF-style: chr2-120978458-G-A. GRCh37 (hg19) VCF-style: chr2-121736034-G-A.
Other names: c.1393G>A, p.Gly465Arg (NM_001371271.1, NM_005270.5); c.967G>A, p.Gly323Arg (NM_001374354.1); short protein forms G323R, G448R, G465R.
Identifiers: ClinVar variation 2418732 (VCV002418732.6), dbSNP rs547124108, ClinGen allele CA54373143.